The following is an entry in ClinVar:

NM_000051.4(ATM):c.7023T>C (p.Cys2341=)

Genes: ATM (ATM serine/threonine kinase; plus strand), C11orf65 (chromosome 11 open reading frame 65; minus strand). Cytogenetic location: 11q22.3.
Variant type: single nucleotide variant.
Coding change: c.7023T>C on transcript NM_000051.4 (MANE Select); coding-DNA position 7023, T replaced by C.
Protein change: p.Cys2341=; no amino-acid change (cysteine 2341 retained).
Molecular consequence: synonymous variant. On other transcripts: intron variant (2).
Genome position (GRCh38, 1-based): chr11:108,327,692, T>C. VCF-style: chr11-108327692-T-C. GRCh37 (hg19) VCF-style: chr11-108198419-T-C.
Other names: c.7023T>C, p.Cys2341= (NM_001351834.2); c.641-18621A>G (NM_001330368.2); c.*38+7528A>G (NM_001351110.2).
Identifiers: ClinVar variation 236762 (VCV000236762.17), dbSNP rs878853537, ClinGen allele CA10582845.
Genomic context (GRCh38, chr11:108,327,692, plus strand): 5'-CTTTCTTATACAGAACAATCCCAGCCTAAAACTTACATACACAGAATGTCTGAGGGTTTG[T>C]GGCAACTGGTTAGCAGAAACGTGCTTAGAAAATCCTGCGGTCATCATGCAGACCTATCTA-3'
Protein context (NP_000042.3, residues 2331-2351): KLTYTECLRV[Cys2341=]GNWLAETCLE

ClinVar aggregate classification (germline): Benign/Likely benign. Review status: criteria provided, multiple submitters, no conflicts (2 of 4 stars). 3 submissions from 3 submitters: Benign (1); Likely benign (2). Last evaluated 2025-09-09.

Conditions:
Hereditary cancer-predisposing syndrome. Also called: Neoplastic Syndromes, Hereditary; Hereditary neoplastic syndrome; Tumor predisposition; Hereditary Cancer Syndrome. Identifiers: Orphanet 140162, MedGen C0027672, MeSH D009386, MONDO:0015356.
Familial cancer of breast. Also called: hereditary breast carcinoma; Hereditary breast cancer; BREAST CANCER, FAMILIAL. Identifiers: Orphanet 227535, MedGen C0346153, MONDO:0016419, OMIM 114480. Disease mechanism: loss of function.
Ataxia-telangiectasia syndrome (AT). Also called: Ataxia telangiectasia (A-T); Cerebello-oculocutaneous telangiectasia; Immunodeficiency with ataxia telangiectasia; LOUIS-BAR SYNDROME; AT, COMPLEMENTATION GROUP C; ATAXIA-TELANGIECTASIA, FRESNO VARIANT. Identifiers: Orphanet 100, MedGen C0004135, MONDO:0008840, OMIM 208900.

Allele frequency attached by ClinVar (database versions not stated): gnomAD exomes below 0.00001.
gnomAD v4.1: 1 of 1,614,072 alleles (0.000062%); highest among the groups gnomAD compares: Non-Finnish European, 0.000085%; no homozygotes.

Submissions (3):

Labcorp Genetics (formerly Invitae), Labcorp
Classification: Likely benign for Ataxia-telangiectasia syndrome. Last evaluated: 2025-09-09. Review status: criteria provided, single submitter. Criteria: Invitae Variant Classification Sherloc (09022015). Collection method: clinical testing. Allele origin: germline.

Myriad Genetics, Inc.
Classification: Benign for Familial cancer of breast. Last evaluated: 2024-06-12. Review status: criteria provided, single submitter. Criteria: Myriad Autosomal Dominant, Autosomal Recessive and X-Linked Classification Criteria (2023). Collection method: clinical testing. Allele origin: unknown.
Comment: This variant is considered benign. This variant is a silent/synonymous amino acid change and it is not expected to impact splicing.

Ambry Genetics
Classification: Likely benign for Hereditary cancer-predisposing syndrome. Last evaluated: 2018-12-14. Review status: criteria provided, single submitter. Criteria: Ambry Variant Classification Scheme 2023. Collection method: clinical testing. Allele origin: germline.